The following is an entry in ClinVar:

NM_001267550.2(TTN):c.61661_61670del (p.Ser20554fs)

Genes: TTN (titin; minus strand), TTN-AS1 (TTN antisense RNA 1; plus strand). Cytogenetic location: 2q31.2.
Variant type: Deletion.
Coding change: c.61661_61670del on transcript NM_001267550.2 (MANE Select); coding-DNA positions 61661 to 61670, 10 bases deleted (GCAGTGGACA; older notation c.61661_61670delGCAGTGGACA).
Protein change: p.Ser20554fs; shifts the reading frame from serine 20554.
Molecular consequence: frameshift variant.
Genome position (GRCh38, 1-based): chr2:178,590,055-178,590,064, TGTCCACTGC deleted on the plus strand (GCAGTGGACA on the coding strand, the reverse complement: TTN is on the minus strand); deleting any 10 consecutive bases within chr2:178,590,055-178,590,067 gives the same sequence; the c. name uses the placement nearest the transcript's 3' end. VCF-style (leftmost placement, unchanged base first): chr2-178590054-ATGTCCACTGC-A. GRCh37 (hg19) VCF-style: chr2-179454781-ATGTCCACTGC-A.
Other names: c.56738_56747del, p.Ser18913fs (NM_001256850.1); c.34466_34475del, p.Ser11489fs (NM_003319.4); c.53957_53966del, p.Ser17986fs (NM_133378.4); c.34841_34850del, p.Ser11614fs (NM_133432.3); c.35042_35051del, p.Ser11681fs (NM_133437.4); short protein forms S11489fs, S11614fs, S11681fs, S17986fs, S18913fs, S20554fs.
Identifiers: ClinVar variation 4880787 (VCV004880787.2).

ClinVar aggregate classification (germline): Likely pathogenic (1 of 4 stars; one submission).

Submission:

Dasa
Classification: Likely pathogenic. Last evaluated: 2025-07-30. Review status: criteria provided, single submitter. Criteria: DASA Assertion Criteria. Collection method: clinical testing. Allele origin: germline.
Comment: NM_001267550.2(TTN):c.61661_61670del (p.Ser20554Metfs*20) is a frameshift variant in TTN predicted to alter the reading frame and introduce a premature termination codon and is predicted to result in an absent or altered protein product. Loss of function is an established disease mechanism for TTN-associated disorders. Also, this variant is absent from population databases. Based on the currently available evidence, this variant is classified as likely pathogenic.